The following is an entry in ClinVar:

NM_030930.4(UNC93B1):c.1635C>A (p.Asp545Glu)

Gene: UNC93B1 (unc-93B1 regulator of TLR signaling; minus strand). Cytogenetic location: 11q13.2.
Variant type: single nucleotide variant.
Coding change: c.1635C>A on transcript NM_030930.4 (MANE Select); coding-DNA position 1635, C replaced by A.
Protein change: p.Asp545Glu; replaces aspartic acid 545 with glutamic acid.
Molecular consequence: missense variant.
Genome position (GRCh38, 1-based): chr11:67,991,705, G>T on the plus strand (C>A on the coding strand, the complement: UNC93B1 is on the minus strand). VCF-style: chr11-67991705-G-T. GRCh37 (hg19) VCF-style: chr11-67759176-G-T.
Other names: short protein forms D545E.
Identifiers: ClinVar variation 857970 (VCV000857970.8), dbSNP rs1197827039, ClinGen allele CA381567228.
Genomic context (GRCh38, chr11:67,991,705, plus strand): 5'-CGGCGCCTCCTCCTCCGCGCCGTCCCCATGCTCGCCCTCCGCGTCGCTCTCGTCCGAGTT[G>T]TCCTCCTCCAAGTAGCGGTAACCGCGCACCTTGTGCTGGGGCCGCGGGATGCGGGGCTGG-3'
Protein context (NP_112192.2, residues 535-555): KVRGYRYLEE[Asp545Glu]NSDESDAEGE

ClinVar aggregate classification (germline): Uncertain significance (1 of 4 stars; one submission).

Conditions:
Encephalopathy, acute, infection-induced (herpes-specific), susceptibility to, 1. Also called: Herpes simplex encephalitis, susceptibility to, 1. Identifiers: Orphanet 1930, MedGen C2750180, MONDO:0024563, OMIM 610551.

Allele frequency attached by ClinVar (database versions not stated): gnomAD exomes 0.00008; TOPMed 0.00005; gnomAD 0.00022.
gnomAD v4.1: 42 of 1,534,638 alleles (0.0027%); highest among the groups gnomAD compares: Admixed American, 0.082%; no homozygotes.

Submission:

Labcorp Genetics (formerly Invitae), Labcorp
Classification: Uncertain significance for Encephalopathy, acute, infection-induced (herpes-specific), susceptibility to, 1. Last evaluated: 2019-12-12. Review status: criteria provided, single submitter. Criteria: Invitae Variant Classification Sherloc (09022015). Collection method: clinical testing. Allele origin: germline.
Comment: This sequence change replaces aspartic acid with glutamic acid at codon 545 of the UNC93B1 protein (p.Asp545Glu). The aspartic acid residue is moderately conserved and there is a small physicochemical difference between aspartic acid and glutamic acid. The frequency data for this variant in the population databases is considered unreliable, as metrics indicate insufficient coverage at this position in the ExAC database. This variant has not been reported in the literature in individuals with UNC93B1-related conditions. In summary, the available evidence is currently insufficient to determine the role of this variant in disease. Therefore, it has been classified as a Variant of Uncertain Significance. Experimental studies and prediction algorithms are not available or were not evaluated, and the functional significance of this variant is currently unknown.